The following is an entry in ClinVar:

ClinVar aggregate classification (germline): Pathogenic/Likely pathogenic. Review status: criteria provided, multiple submitters, no conflicts (2 of 4 stars). 2 submissions from 2 submitters: Pathogenic (1); Likely pathogenic (1). Last evaluated 2023-11-13.

Conditions:
Retinitis pigmentosa (RP). Identifiers: Orphanet 791, MedGen C0035334, MeSH D012174, MONDO:0019200, OMIM 268000. Inheritance: Autosomal dominant, autosomal recessive and X linked inheritance.

Allele frequency attached by ClinVar (database versions not stated): gnomAD exomes below 0.00001.

Submissions (2):

Labcorp Genetics (formerly Invitae), Labcorp
Classification: Pathogenic. Last evaluated: 2023-11-13. Review status: criteria provided, single submitter. Criteria: Invitae Variant Classification Sherloc (09022015). Collection method: clinical testing. Allele origin: germline.
Comment: This sequence change creates a premature translational stop signal (p.Met21Cysfs*75) in the CNGB1 gene. It is expected to result in an absent or disrupted protein product. Loss-of-function variants in CNGB1 are known to be pathogenic (PMID: 15557452, 24043777). This variant is not present in population databases (gnomAD no frequency). This premature translational stop signal has been observed in individual(s) with retinitis pigmentosa (PMID: 36819107). ClinVar contains an entry for this variant (Variation ID: 973356). For these reasons, this variant has been classified as Pathogenic.

INSERM U1051, Institut des Neurosciences de Montpellier
Classification: Likely pathogenic for Retinitis pigmentosa. Last evaluated: 2020-06-24. Review status: criteria provided, single submitter. Criteria: ACMG Guidelines, 2015. Collection method: research. Allele origin: inherited. Affected: yes.

Literature cited by the submitters: PubMed 15557452 (cited by Labcorp Genetics (formerly Invitae), Labcorp); PubMed 24043777 (cited by Labcorp Genetics (formerly Invitae), Labcorp); PubMed 36819107 (cited by Labcorp Genetics (formerly Invitae), Labcorp).

NM_001297.5(CNGB1):c.60del (p.Met21fs)

Gene: CNGB1 (cyclic nucleotide gated channel subunit beta 1; minus strand). Cytogenetic location: 16q21.
Variant type: Deletion.
Coding change: c.60del on transcript NM_001297.5 (MANE Select); coding-DNA position 60, one base deleted (G; older notation c.60delG).
Protein change: p.Met21fs; shifts the reading frame from methionine 21.
Molecular consequence: frameshift variant.
Genome position (GRCh38, 1-based): chr16:57,967,227, C deleted on the plus strand (G on the coding strand, the reverse complement: CNGB1 is on the minus strand). VCF-style (leftmost placement, unchanged base first): chr16-57967226-TC-T. GRCh37 (hg19) VCF-style: chr16-58001130-TC-T.
Other names: c.60delG (NM_001297.5); c.60del, p.Met21fs (NM_001135639.2, NM_001286130.2); short protein forms M21fs.
Identifiers: ClinVar variation 973356 (VCV000973356.4), dbSNP rs1962422577, ClinGen allele CA1139664726.